The following is an entry in ClinVar:

ClinVar aggregate classification (germline): Uncertain significance (1 of 4 stars; one submission).

Conditions:
Alpha thalassemia-X-linked intellectual disability syndrome (ATRX). Also called: ALPHA-THALASSEMIA/MENTAL RETARDATION SYNDROME, X-LINKED; ATR, NONDELETION TYPE; ATR-X syndrome; Alpha thalassemia mental retardation syndrome, nondeletion type, X-linked; XLMR hypotonic face syndrome; X-linked alpha-thalassemia-mental retardation syndrome. Identifiers: Orphanet 847, MedGen C1845055, MONDO:0010519, OMIM 301040.

Submission:

Labcorp Genetics (formerly Invitae), Labcorp
Classification: Uncertain significance for Alpha thalassemia-X-linked intellectual disability syndrome. Last evaluated: 2022-12-21. Review status: criteria provided, single submitter. Criteria: Invitae Variant Classification Sherloc (09022015). Collection method: clinical testing. Allele origin: germline.
Comment: Experimental studies and prediction algorithms are not available or were not evaluated, and the functional significance of this variant is currently unknown. In summary, the available evidence is currently insufficient to determine the role of this variant in disease. Therefore, it has been classified as a Variant of Uncertain Significance. This variant has not been reported in the literature in individuals affected with ATRX-related conditions. This variant is not present in population databases (gnomAD no frequency). This variant, c.6983_6985del, results in the deletion of 1 amino acid(s) of the ATRX protein (p.Ile2328del), but otherwise preserves the integrity of the reading frame.

NM_000489.6(ATRX):c.6983_6985del (p.Ile2328del)

Gene: ATRX (ATRX chromatin remodeler; minus strand). Cytogenetic location: Xq21.1.
Variant type: Deletion.
Coding change: c.6983_6985del on transcript NM_000489.6 (MANE Select); coding-DNA positions 6983 to 6985, 3 bases deleted (TTA; older notation c.6983_6985delTTA).
Protein change: p.Ile2328del; deletes isoleucine 2328.
Molecular consequence: inframe deletion.
Genome position (GRCh38, 1-based): chrX:77,521,489-77,521,491, TAA deleted on the plus strand (TTA on the coding strand, the reverse complement: ATRX is on the minus strand); deleting any 3 consecutive bases within chrX:77,521,489-77,521,492 gives the same sequence; the c. name uses the placement nearest the transcript's 3' end. VCF-style (leftmost placement, unchanged base first): chrX-77521488-TTAA-T. GRCh37 (hg19) VCF-style: chrX-76776966-TTAA-T.
Other names: c.6869_6871del, p.Ile2290del (NM_138270.5); short protein forms I2290del, I2328del.
Identifiers: ClinVar variation 2822652 (VCV002822652.3), dbSNP rs2520009729, ClinGen allele CA2739273602.